The following is an entry in ClinVar:

ClinVar aggregate classification (germline): Uncertain significance (1 of 4 stars; one submission).

Conditions:
Leber congenital amaurosis 4 (LCA4). Identifiers: MedGen C1858386, MONDO:0011458, OMIM 604393.

Allele frequency attached by ClinVar (database versions not stated): gnomAD exomes below 0.00001; TOPMed below 0.00001; gnomAD 0.00001.

Submission:

Labcorp Genetics (formerly Invitae), Labcorp
Classification: Uncertain significance for Leber congenital amaurosis 4. Last evaluated: 2021-09-24. Review status: criteria provided, single submitter. Criteria: Invitae Variant Classification Sherloc (09022015). Collection method: clinical testing. Allele origin: germline.
Comment: In summary, the available evidence is currently insufficient to determine the role of this variant in disease. Therefore, it has been classified as a Variant of Uncertain Significance. Algorithms developed to predict the effect of missense changes on protein structure and function are either unavailable or do not agree on the potential impact of this missense change (SIFT: "Deleterious"; PolyPhen-2: "Probably Damaging"; Align-GVGD: "Class C0"). This missense change has been observed in individual(s) with clinical features of cone-rod dystrophy (Invitae). This variant is not present in population databases (ExAC no frequency). This sequence change replaces leucine with proline at codon 76 of the AIPL1 protein (p.Leu76Pro). The leucine residue is highly conserved and there is a moderate physicochemical difference between leucine and proline.

NM_014336.5(AIPL1):c.227T>C (p.Leu76Pro)

Gene: AIPL1 (AIP like 1 HSP90 co-chaperone; minus strand). Cytogenetic location: 17p13.2.
Variant type: single nucleotide variant.
Coding change: c.227T>C on transcript NM_014336.5 (MANE Select); coding-DNA position 227, T replaced by C.
Protein change: p.Leu76Pro; replaces leucine 76 with proline.
Molecular consequence: missense variant. On other transcripts: intron variant (1).
Genome position (GRCh38, 1-based): chr17:6,433,968, A>G on the plus strand (T>C on the coding strand, the complement: AIPL1 is on the minus strand). VCF-style: chr17-6433968-A-G. GRCh37 (hg19) VCF-style: chr17-6337288-A-G.
Other names: c.227T>C, p.Leu76Pro (NM_001033054.3, NM_001285401.3, NM_001285403.4); c.191T>C, p.Leu64Pro (NM_001285399.3); c.161T>C, p.Leu54Pro (NM_001285400.3); c.110T>C, p.Leu37Pro (NM_001285402.2); c.96+1041T>C (NM_001033055.3); short protein forms L37P, L64P, L54P, L76P.
Identifiers: ClinVar variation 1428689 (VCV001428689.6), dbSNP rs1375384582, ClinGen allele CA397397236.
Genomic context (GRCh38, chr17:6,433,968, plus strand): 5'-GGCCTACTTACGATGGTGTCGCACCAGAACTCGGCCACCTCGTGCACCCGCATGGAGGTA[A>G]GCAGGATCTCCCAGACCTCGAGCTTGAACATGTTTCCGATGATGATGTGCATGGGCTGGC-3'
Protein context (NP_055151.3, residues 66-86): MFKLEVWEIL[Leu76Pro]TSMRVHEVAE